The following is an entry in ClinVar:

NM_016579.4(CD320):c.337G>A (p.Val113Ile)

Gene: CD320 (CD320 molecule; minus strand). Cytogenetic location: 19p13.2.
Variant type: single nucleotide variant.
Coding change: c.337G>A on transcript NM_016579.4 (MANE Select); coding-DNA position 337, G replaced by A.
Protein change: p.Val113Ile; replaces valine 113 with isoleucine.
Molecular consequence: missense variant.
Genome position (GRCh38, 1-based): chr19:8,304,020, C>T on the plus strand (G>A on the coding strand, the complement: CD320 is on the minus strand). VCF-style: chr19-8304020-C-T. GRCh37 (hg19) VCF-style: chr19-8368904-C-T.
Other names: c.211G>A, p.Val71Ile (NM_001165895.2); c.337G>A (NM_016579.3); short protein forms V113I, V71I.
Identifiers: ClinVar variation 2064661 (VCV002064661.5), dbSNP rs760524953, ClinGen allele CA9154761.

ClinVar aggregate classification (germline): Conflicting classifications of pathogenicity. Review status: criteria provided, conflicting classifications (1 of 4 stars). 2 submissions from 2 submitters: Uncertain significance (1); Likely benign (1). Last evaluated 2025-08-07.

Conditions:
Methylmalonic acidemia due to transcobalamin receptor defect (MATR). Also called: METHYLMALONIC ACIDEMIA, TCblR TYPE; METHYLMALONIC ACIDURIA, TRANSIENT, DUE TO TRANSCOBALAMIN RECEPTOR DEFECT. Identifiers: Orphanet 280183, MedGen C4749905, MONDO:0013341, OMIM 613646.

Allele frequency attached by ClinVar (database versions not stated): TOPMed 0.00002; gnomAD 0.00003; ExAC 0.00008.
gnomAD v4.1: 33 of 1,565,888 alleles (0.0021%); highest among the groups gnomAD compares: Middle Eastern, 0.017%; no homozygotes.

Submissions (2):

Labcorp Genetics (formerly Invitae), Labcorp
Classification: Uncertain significance for Methylmalonic acidemia due to transcobalamin receptor defect. Last evaluated: 2025-08-07. Review status: criteria provided, single submitter. Criteria: Invitae Variant Classification Sherloc (09022015). Collection method: clinical testing. Allele origin: germline.
Comment: This sequence change replaces valine, which is neutral and non-polar, with isoleucine, which is neutral and non-polar, at codon 113 of the CD320 protein (p.Val113Ile). The frequency data for this variant in the population databases is considered unreliable, as metrics indicate poor data quality at this position in the gnomAD database. This variant has not been reported in the literature in individuals affected with CD320-related conditions. ClinVar contains an entry for this variant (Variation ID: 2064661). An algorithm developed to predict the effect of missense changes on protein structure and function outputs the following: PolyPhen-2: "Benign". The isoleucine amino acid residue is found in multiple mammalian species, which suggests that this missense change does not adversely affect protein function. In summary, the available evidence is currently insufficient to determine the role of this variant in disease. Therefore, it has been classified as a Variant of Uncertain Significance.

Ambry Genetics
Classification: Likely benign. Last evaluated: 2025-01-17. Review status: criteria provided, single submitter. Criteria: Ambry Variant Classification Scheme 2023. Collection method: clinical testing. Allele origin: germline.